The following is an entry in ClinVar:

ClinVar aggregate classification (germline): Conflicting classifications of pathogenicity. Review status: criteria provided, conflicting classifications (1 of 4 stars). 2 submissions from 2 submitters: Uncertain significance (1); Likely benign (1). Last evaluated 2022-10-03.

Conditions:
Renal carnitine transport defect (CDSP). Also called: Systemic primary carnitine deficiency; Primary carnitine deficiency; Systemic primary carnitine deficiency disease; CARNITINE DEFICIENCY, SYSTEMIC, DUE TO DEFECT IN RENAL REABSORPTION OF CARNITINE; CARNITINE TRANSPORTER, PLASMA-MEMBRANE, DEFICIENCY OF; CARNITINE UPTAKE DEFECT. Identifiers: Orphanet 158, MedGen C0342788, MONDO:0008919, OMIM 212140.

Allele frequency attached by ClinVar (database versions not stated): gnomAD exomes below 0.00001.
gnomAD v4.1: 2 of 1,614,180 alleles (0.00012%); highest among the groups gnomAD compares: Non-Finnish European, 0.00017%; no homozygotes.

Submissions (2):

Giacomini Lab, University of California, San Francisco
Classification: Likely benign for Renal carnitine transport defect. Last evaluated: 2022-10-03. Review status: criteria provided, single submitter. Criteria: ACMG Guidelines, 2015. Collection method: research, in vitro. Allele origin: germline, not applicable.

Labcorp Genetics (formerly Invitae), Labcorp
Classification: Uncertain significance for Renal carnitine transport defect. Last evaluated: 2022-02-08. Review status: criteria provided, single submitter. Criteria: Invitae Variant Classification Sherloc (09022015). Collection method: clinical testing. Allele origin: germline.
Comment: This sequence change replaces asparagine, which is neutral and polar, with serine, which is neutral and polar, at codon 192 of the SLC22A5 protein (p.Asn192Ser). This variant is present in population databases (no rsID available, gnomAD 0.002%). This variant has not been reported in the literature in individuals affected with SLC22A5-related conditions. Advanced modeling of protein sequence and biophysical properties (such as structural, functional, and spatial information, amino acid conservation, physicochemical variation, residue mobility, and thermodynamic stability) performed at Invitae indicates that this missense variant is not expected to disrupt SLC22A5 protein function. In summary, the available evidence is currently insufficient to determine the role of this variant in disease. Therefore, it has been classified as a Variant of Uncertain Significance.

NM_003060.4(SLC22A5):c.575A>G (p.Asn192Ser)

Gene: SLC22A5 (solute carrier family 22 member 5; plus strand). Cytogenetic location: 5q31.1.
Variant type: single nucleotide variant.
Coding change: c.575A>G on transcript NM_003060.4 (MANE Select); coding-DNA position 575, A replaced by G.
Protein change: p.Asn192Ser; replaces asparagine 192 with serine.
Molecular consequence: missense variant.
Genome position (GRCh38, 1-based): chr5:132,384,224, A>G. VCF-style: chr5-132384224-A-G. GRCh37 (hg19) VCF-style: chr5-131719916-A-G.
Other names: p.Asn192Ser; c.647A>G, p.Asn216Ser (NM_001308122.2); short protein forms N192S, N216S.
Identifiers: ClinVar variation 1707646 (VCV001707646.4), dbSNP rs1189776349, ClinGen allele CA360804763.
Genomic context (GRCh38, chr5:132,384,224, plus strand): 5'-TGCTGTTCGTGACCATGGGCATGCAGACAGGCTTCAGCTTCCTGCAGATCTTCTCGAAGA[A>G]TTTTGAGATGTTTGTCGTGCTGTTTGTCCTTGTAGGCATGGGCCAGATCTCCAACTATGT-3'
Protein context (NP_003051.1, residues 182-202): GFSFLQIFSK[Asn192Ser]FEMFVVLFVL